The following is an entry in ClinVar:

ClinVar aggregate classification (germline): Uncertain significance (1 of 4 stars; one submission).

Submission:

GeneDx
Classification: Uncertain significance. Last evaluated: 2025-02-27. Review status: criteria provided, single submitter. Criteria: GeneDx Variant Classification Process June 2021. Collection method: clinical testing. Allele origin: germline. Affected: yes.
Comment: Has not been previously published as pathogenic or benign to our knowledge; Not observed at significant frequency in large population cohorts (gnomAD); In silico analysis supports that this missense variant has a deleterious effect on protein structure/function

NM_002063.4(GLRA2):c.247G>C (p.Gly83Arg)

Gene: GLRA2 (glycine receptor alpha 2; plus strand). Cytogenetic location: Xp22.2.
Variant type: single nucleotide variant.
Coding change: c.247G>C on transcript NM_002063.4 (MANE Select); coding-DNA position 247, G replaced by C.
Protein change: p.Gly83Arg; replaces glycine 83 with arginine.
Molecular consequence: missense variant. On other transcripts: 5 prime UTR variant (1), intron variant (1).
Genome position (GRCh38, 1-based): chrX:14,574,377, G>C. VCF-style: chrX-14574377-G-C. GRCh37 (hg19) VCF-style: chrX-14592499-G-C.
Other names: c.247G>C, p.Gly83Arg (NM_001118885.2); c.-21G>C (NM_001171942.2); c.203-115G>C (NM_001118886.2); short protein forms G83R.
Identifiers: ClinVar variation 4077188 (VCV004077188.1).
Genomic context (GRCh38, chrX:14,574,377, plus strand): 5'-TCATTGCATTCTGCAGGTCCTCCAGTAAACGTTACTTGCAATATTTTTATCAACAGTTTT[G>C]GATCAGTCACAGAAACGACCATGGTAAGTGCTGCAATGCCACTGGCAAGAGAAAGACACA-3'
Protein context (NP_002054.1, residues 73-93): VTCNIFINSF[Gly83Arg]SVTETTMDYR